The following is an entry in ClinVar:

NM_001282531.3(ADNP):c.2197GAT[2] (p.Asp735del)

Gene: ADNP (activity dependent neuroprotector homeobox; minus strand). Cytogenetic location: 20q13.13.
Variant type: Microsatellite.
Coding change: c.2197GAT[2] on transcript NM_001282531.3 (MANE Select); two copies in a row of the 3-base unit GAT starting at c.2197; the reference has three copies in a row; one copy, 3 bases deleted.
Protein change: p.Asp735del; deletes aspartic acid 735.
Molecular consequence: inframe deletion.
Genome position (GRCh38, 1-based): chr20:50,892,509-50,892,511, ATC deleted on the plus strand (GAT on the coding strand, the reverse complement: ADNP is on the minus strand); deleting any 3 consecutive bases within chr20:50,892,509-50,892,517 gives the same sequence; the position shown is the placement nearest the transcript's 3' end. VCF-style (leftmost placement, unchanged base first): chr20-50892508-TATC-T. GRCh37 (hg19) VCF-style: chr20-49509045-TATC-T.
Other names: c.2197GAT[2], p.Asp735del (NM_001282532.2, NM_001347511.2, NM_015339.5 and 1 more transcripts); c.2203_2205del (NM_015339.5); short protein forms D735del.
Identifiers: ClinVar variation 2438884 (VCV002438884.6), dbSNP rs777999072, ClinGen allele CA9908624.

ClinVar aggregate classification (germline): Uncertain significance. Review status: criteria provided, multiple submitters, no conflicts (2 of 4 stars). 2 submissions from 2 submitters: Uncertain significance (2). Last evaluated 2023-06-21.

Conditions:
ADNP-related multiple congenital anomalies - intellectual disability - autism spectrum disorder. Also called: Helsmoortel-Van der Aa Syndrome; ADNP-Related Helsmoortel-Van der Aa Syndrome. Identifiers: Orphanet 404448, MedGen C4014538, MONDO:0014379, OMIM 615873. Disease mechanism: loss of function.

Submissions (2):

Labcorp Genetics (formerly Invitae), Labcorp
Classification: Uncertain significance. Last evaluated: 2023-06-21. Review status: criteria provided, single submitter. Criteria: Invitae Variant Classification Sherloc (09022015). Collection method: clinical testing. Allele origin: germline.
Comment: This variant, c.2203_2205del, results in the deletion of 1 amino acid(s) of the ADNP protein (p.Asp735del), but otherwise preserves the integrity of the reading frame. In summary, the available evidence is currently insufficient to determine the role of this variant in disease. Therefore, it has been classified as a Variant of Uncertain Significance. This variant has not been reported in the literature in individuals affected with ADNP-related conditions. This variant is present in population databases (rs777999072, gnomAD 0.005%).

Revvity Omics, Revvity
Classification: Uncertain significance for ADNP-related multiple congenital anomalies - intellectual disability - autism spectrum disorder. Last evaluated: 2020-10-30. Review status: criteria provided, single submitter. Criteria: ACMG Guidelines, 2015. Collection method: clinical testing. Allele origin: germline.